The following is an entry in ClinVar:

NM_181426.2(CCDC39):c.295G>C (p.Asp99His)

Gene: CCDC39 (coiled-coil domain 39 molecular ruler complex subunit; minus strand). Cytogenetic location: 3q26.33.
Variant type: single nucleotide variant.
Coding change: c.295G>C on transcript NM_181426.2 (MANE Select); coding-DNA position 295, G replaced by C.
Protein change: p.Asp99His; replaces aspartic acid 99 with histidine.
Molecular consequence: missense variant.
Genome position (GRCh38, 1-based): chr3:180,661,923, C>G on the plus strand (G>C on the coding strand, the complement: CCDC39 is on the minus strand). VCF-style: chr3-180661923-C-G. GRCh37 (hg19) VCF-style: chr3-180379711-C-G.
Other names: short protein forms D99H.
Identifiers: ClinVar variation 2751964 (VCV002751964.3), dbSNP rs1711752429, ClinGen allele CA355303961.

ClinVar aggregate classification (germline): Uncertain significance (1 of 4 stars; one submission).

Conditions:
Primary ciliary dyskinesia. Also called: Ciliary dyskinesia. Identifiers: Orphanet 244, MedGen C0008780, MONDO:0016575, HP:0012265.

Allele frequency attached by ClinVar (database versions not stated): TOPMed below 0.00001; gnomAD 0.00001.
gnomAD v4.1: 5 of 1,583,320 alleles (0.00032%); highest among the groups gnomAD compares: Non-Finnish European, 0.00043%; no homozygotes.

Submission:

Labcorp Genetics (formerly Invitae), Labcorp
Classification: Uncertain significance for Primary ciliary dyskinesia. Last evaluated: 2022-12-16. Review status: criteria provided, single submitter. Criteria: Invitae Variant Classification Sherloc (09022015). Collection method: clinical testing. Allele origin: germline.
Comment: This sequence change replaces aspartic acid, which is acidic and polar, with histidine, which is basic and polar, at codon 99 of the CCDC39 protein (p.Asp99His). This variant is not present in population databases (gnomAD no frequency). This variant has not been reported in the literature in individuals affected with CCDC39-related conditions. Algorithms developed to predict the effect of missense changes on protein structure and function (SIFT, PolyPhen-2, Align-GVGD) all suggest that this variant is likely to be tolerated. In summary, the available evidence is currently insufficient to determine the role of this variant in disease. Therefore, it has been classified as a Variant of Uncertain Significance.